The following is an entry in ClinVar:

ClinVar aggregate classification (germline): Uncertain significance. Review status: criteria provided, multiple submitters, no conflicts (2 of 4 stars). 2 submissions from 2 submitters: Uncertain significance (2). Last evaluated 2026-03-20.

Conditions:
DYRK1B-related disorder. Also called: DYRK1B-related condition.
Inborn genetic diseases. Identifiers: MedGen C0950123, MeSH D030342.

Submissions (2):

PreventionGenetics, part of Exact Sciences
Classification: Uncertain significance for DYRK1B-related condition. Last evaluated: 2026-03-20. Review status: criteria provided, single submitter. Criteria: ACMG Guidelines, 2015. Collection method: clinical testing. Allele origin: germline.
Comment: The DYRK1B c.469C>T variant is predicted to result in the amino acid substitution p.Arg157Trp. To our knowledge, this variant has not been reported in the literature or in a large population database (gnomAD), indicating this variant is rare. At this time, the clinical significance of this variant is uncertain due to the absence of conclusive functional and genetic evidence.

Ambry Genetics
Classification: Uncertain significance for Inborn genetic diseases. Last evaluated: 2021-08-09. Review status: criteria provided, single submitter. Criteria: Ambry Variant Classification Scheme 2023. Collection method: clinical testing. Allele origin: germline.

NM_004714.3(DYRK1B):c.469C>T (p.Arg157Trp)

Gene: DYRK1B (dual specificity tyrosine phosphorylation regulated kinase 1B; minus strand). Cytogenetic location: 19q13.2.
Variant type: single nucleotide variant.
Coding change: c.469C>T on transcript NM_004714.3 (MANE Select); coding-DNA position 469, C replaced by T.
Protein change: p.Arg157Trp; replaces arginine 157 with tryptophan.
Molecular consequence: missense variant.
Genome position (GRCh38, 1-based): chr19:39,829,931, G>A on the plus strand (C>T on the coding strand, the complement: DYRK1B is on the minus strand). VCF-style: chr19-39829931-G-A. GRCh37 (hg19) VCF-style: chr19-40320571-G-A.
Other names: c.469C>T, p.Arg157Trp (NM_006483.3, NM_006484.3); c.469C>T (NM_004714.2); short protein forms R157W.
Identifiers: ClinVar variation 2241737 (VCV002241737.3), dbSNP rs2514848259, ClinGen allele CA405827871.